The following is an entry in ClinVar:

ClinVar aggregate classification (germline): Likely benign (1 of 4 stars; one submission).

Conditions:
Leigh syndrome (NULS). Also called: Leigh's necrotizing encephalopathy; Leigh's disease; Leigh Syndrome (mtDNA deletion); Leigh Disease; Subacute necrotizing encephalopathy; Necrotizing encephalopathy infantile subacute of Leigh. Identifiers: Orphanet 506, MedGen C2931891, MONDO:0009723, OMIM 256000.

Submission:

Wong Mito Lab, Molecular and Human Genetics, Baylor College of Medicine
Classification: Likely benign for Leigh syndrome. Last evaluated: 2019-10-17. Review status: criteria provided, single submitter. Criteria: Modified ACMG Guidelines (Unpublished). Collection method: clinical testing. Allele origin: germline.
Comment: The NC_012920.1:m.13225G>A (YP_003024036.1:p.Asp297Asn) variant in MTND5 gene is interpretated to be a Likely Benign variant based on the modified ACMG guidelines (unpublished). This variant meets the following evidence codes: BS1, BP5

NC_012920.1(MT-ND5):m.13225G>A

Gene: MT-ND5 (mitochondrially encoded NADH dehydrogenase 5; plus strand).
Variant type: single nucleotide variant.
Genome position: chrM-13225-G-A.
Identifiers: ClinVar variation 693537 (VCV000693537.1), dbSNP rs1603224098, ClinGen allele CA414817030.